The following is an entry in ClinVar:

NM_001130144.3(LTBP3):c.2414G>A (p.Gly805Glu)

Gene: LTBP3 (latent transforming growth factor beta binding protein 3; minus strand). Cytogenetic location: 11q13.1.
Variant type: single nucleotide variant.
Coding change: c.2414G>A on transcript NM_001130144.3 (MANE Select); coding-DNA position 2414, G replaced by A.
Protein change: p.Gly805Glu; replaces glycine 805 with glutamic acid.
Molecular consequence: missense variant.
Genome position (GRCh38, 1-based): chr11:65,543,489, C>T on the plus strand (G>A on the coding strand, the complement: LTBP3 is on the minus strand). VCF-style: chr11-65543489-C-T. GRCh37 (hg19) VCF-style: chr11-65310960-C-T.
Other names: c.2063G>A, p.Gly688Glu (NM_001164266.1); c.2414G>A, p.Gly805Glu (NM_021070.4); short protein forms G688E, G805E.
Identifiers: ClinVar variation 2744567 (VCV002744567.3), dbSNP rs775607719, ClinGen allele CA381269327.
Genomic context (GRCh38, chr11:65,543,489, plus strand): 5'-TCGCAGTGGCTCCGGTCCCTGGACAGATGGTAGCCAGAGAGGCACTGACACTGGAAAGAT[C>T]CTGGCGTGTTGCTGCAGATGCCATTGTCACACACGTCCCCAGCCTCACACTCGTCCACAT-3'
Protein context (NP_001123616.1, residues 795-815): CDNGICSNTP[Gly805Glu]SFQCQCLSGY

ClinVar aggregate classification (germline): Uncertain significance (1 of 4 stars; one submission).

Conditions:
Brachyolmia-amelogenesis imperfecta syndrome. Also called: PLATYSPONDYLY WITH AMELOGENESIS IMPERFECTA; Tooth agenesis, selective, 6; Dental anomalies and short stature. Identifiers: Orphanet 2899, MedGen C1832594, MONDO:0011018, OMIM 601216. Disease mechanism: loss of function.

gnomAD v4.1: 1 of 1,614,120 alleles (0.000062%); highest among the groups gnomAD compares: Non-Finnish European, 0.000085%; no homozygotes.

Submission:

Labcorp Genetics (formerly Invitae), Labcorp
Classification: Uncertain significance for Brachyolmia-amelogenesis imperfecta syndrome. Last evaluated: 2023-07-17. Review status: criteria provided, single submitter. Criteria: Invitae Variant Classification Sherloc (09022015). Collection method: clinical testing. Allele origin: germline.
Comment: In summary, the available evidence is currently insufficient to determine the role of this variant in disease. Therefore, it has been classified as a Variant of Uncertain Significance. An algorithm developed to predict the effect of missense changes on protein structure and function (PolyPhen-2) suggests that this variant is likely to be disruptive. This variant has not been reported in the literature in individuals affected with LTBP3-related conditions. This variant is not present in population databases (gnomAD no frequency). This sequence change replaces glycine, which is neutral and non-polar, with glutamic acid, which is acidic and polar, at codon 805 of the LTBP3 protein (p.Gly805Glu).